The following is an entry in ClinVar:

ClinVar aggregate classification (germline): Pathogenic/Likely pathogenic. Review status: criteria provided, multiple submitters, no conflicts (2 of 4 stars). 8 submissions from 8 submitters: Pathogenic (3); Likely pathogenic (4). 1 of the submissions does not count toward it. Last evaluated 2026-08-27.

Conditions:
Inborn genetic diseases. Identifiers: MedGen C0950123, MeSH D030342.
Intellectual developmental disorder, autosomal dominant 45. Also called: MENTAL RETARDATION, AUTOSOMAL DOMINANT 45; Intellectual disability, autosomal dominant 45. Identifiers: MedGen C4539848, MONDO:0030910, OMIM 617600.
Intellectual disability-facial dysmorphism syndrome due to SETD5 haploinsufficiency (MRD23). Also called: Intellectual developmental disorder, autosomal dominant 23. Identifiers: Orphanet 404440, MedGen C3810406, MONDO:0014336, OMIM 615761.

Allele frequency attached by ClinVar (database versions not stated): gnomAD exomes below 0.00001.

Submissions (8):

Ambry Genetics
Classification: Likely pathogenic for Inborn genetic diseases. Last evaluated: 2026-08-27. Review status: criteria provided, single submitter. Criteria: Ambry Variant Classification Scheme 2023. Collection method: clinical testing. Allele origin: germline.
Comment: The c.3856delT (p.S1286Lfs*84) alteration, located in exon 23 (coding exon 21) of the SETD5 gene, consists of a deletion of one nucleotide at position 3856, causing a translational frameshift with a predicted alternate stop codon after 84 amino acids. This alteration occurs at the 3' terminus of the SETD5 gene, is not expected to trigger nonsense-mediated mRNA decay, and impacts the last 10% of the protein. Premature stop codons are typically deleterious in nature and a significant portion of the protein is affected (Ambry internal data). Based on data from gnomAD, the c.3856delT allele has an overall frequency of <0.001% (1/249238) total alleles studied. This variant was reported in individual(s) with features consistent with SETD5-related neurodevelopmental disorder; in at least one individual, it was determined to be de novo (Grozeva, 2014; DECIPHER). Based on the available evidence, this alteration is classified as likely pathogenic.

Labcorp Genetics (formerly Invitae), Labcorp
Classification: Pathogenic. Last evaluated: 2025-06-01. Review status: criteria provided, single submitter. Criteria: Invitae Variant Classification Sherloc (09022015). Collection method: clinical testing. Allele origin: germline.
Comment: This sequence change creates a premature translational stop signal (p.Ser1286Leufs*84) in the SETD5 gene. While this is not anticipated to result in nonsense mediated decay, it is expected to disrupt the last 157 amino acid(s) of the SETD5 protein. This variant is present in population databases (no rsID available, gnomAD no frequency). This premature translational stop signal has been observed in individual(s) with severe intellectual disability (PMID: 24680889). In at least one individual the variant was observed to be de novo. ClinVar contains an entry for this variant (Variation ID: 127106). This variant disrupts a region of the SETD5 protein in which other variant(s) (p.Ser1286Leufs*37) have been determined to be pathogenic (PMID: 28549204; internal data). This suggests that this is a clinically significant region of the protein, and that variants that disrupt it are likely to be disease-causing. For these reasons, this variant has been classified as Pathogenic.

Department of Human Genetics, Hannover Medical School
Classification: Likely pathogenic for Intellectual developmental disorder, autosomal dominant 45. Last evaluated: 2022-09-20. Review status: criteria provided, single submitter. Criteria: ACMG Guidelines, 2015. Collection method: clinical testing. Allele origin: germline. Inheritance: Autosomal dominant inheritance. Affected: yes.

GeneDx
Classification: Pathogenic. Last evaluated: 2022-04-21. Review status: criteria provided, single submitter. Criteria: GeneDx Variant Classification Process June 2021. Collection method: clinical testing. Allele origin: germline. Affected: yes.
Comment: Frameshift variant in the C-terminus predicted to result in protein truncation, as the last 157 amino acids are lost and replaced with 83 incorrect amino acids; Not observed at a significant frequency in large population cohorts (gnomAD); This variant is associated with the following publications: (PMID: 24680889)

Dasa
Classification: Likely pathogenic for Intellectual disability-facial dysmorphism syndrome due to SETD5 haploinsufficiency. Last evaluated: 2022-02-14. Review status: criteria provided, single submitter. Criteria: ACMG Guidelines, 2015. Collection method: clinical testing. Allele origin: germline. Affected: yes. Observed: 1 variant allele.
Comment: The c.3562del;p.(Ser1188Leufs*84) is a null frameshift variant in the SETD5 gene and predicts alteration of the nonsense-mediate decay - NMD is present in a relevant exon to the transcript -PVS1_strong. This variant is not present in population databases (rs587777329, gnomAD; ABraOM no frequency) - PM2. In summary, the currently available evidence indicates that the variant is likely pathogenic.

Institute of Medical Genetics and Applied Genomics, University Hospital Tübingen
Classification: Pathogenic. Last evaluated: 2020-10-23. Review status: criteria provided, single submitter. Criteria: ACMG Guidelines, 2015. Collection method: clinical testing. Allele origin: germline. Inheritance: Unknown mechanism. Affected: yes.

Institute for Medical Genetics and Human Genetics, Charité - Universitätsmedizin Berlin
Classification: Likely pathogenic for Intellectual disability-facial dysmorphism syndrome due to SETD5 haploinsufficiency. Review status: criteria provided, single submitter. Criteria: ACMG Guidelines, 2015. Collection method: not provided. Allele origin: germline. Inheritance: Autosomal dominant inheritance. Affected: yes.

OMIM
Classification: Pathogenic for INTELLECTUAL DEVELOPMENTAL DISORDER, AUTOSOMAL DOMINANT 23. Last evaluated: 2014-04-03. Review status: no assertion criteria provided. Collection method: literature only. Allele origin: germline. Not counted in ClinVar's aggregate classification.

Literature cited by the submitters: PubMed 24680889 (cited by 3 submitters); PubMed 37795942 (cited by Ambry Genetics); PubMed 28549204 (cited by Labcorp Genetics (formerly Invitae), Labcorp).

NM_001080517.3(SETD5):c.3856del (p.Ser1286fs)

Gene: SETD5 (SET domain containing 5; plus strand). Cytogenetic location: 3p25.3.
Variant type: Deletion.
Coding change: c.3856del on transcript NM_001080517.3 (MANE Select); coding-DNA position 3856, one base deleted (T; older notation c.3856delT).
Protein change: p.Ser1286fs; shifts the reading frame from serine 1286.
Molecular consequence: frameshift variant.
Genome position (GRCh38, 1-based): chr3:9,475,618, T deleted. VCF-style (leftmost placement, unchanged base first): chr3-9475617-CT-C. GRCh37 (hg19) VCF-style: chr3-9517301-CT-C.
Other names: c.3562del, p.Ser1188fs (NM_001292043.2, NM_001349451.2); c.3856delT (NM_001080517.1); short protein forms S1188fs, S1286fs.
Identifiers: ClinVar variation 127106 (VCV000127106.18), dbSNP rs587777329, ClinGen allele CA251338.